The following is an entry in ClinVar:

ClinVar aggregate classification (germline): Uncertain significance (1 of 4 stars; one submission).

Conditions:
Nemaline myopathy 6 (NEM6). Also called: Nemaline myopathy 6, autosomal dominant. Identifiers: Orphanet 171439, MedGen C1836472, MONDO:0012237, OMIM 609273.

Submission:

Centre for Mendelian Genomics, University Medical Centre Ljubljana
Classification: Uncertain significance for Nemaline myopathy 6. Last evaluated: 2019-08-12. Review status: criteria provided, single submitter. Criteria: ACMG Guidelines, 2015. Collection method: clinical testing. Allele origin: unknown. Affected: yes.
Comment: This variant was classified as: Uncertain significance. The available evidence on this variant's pathogenicity is insufficient or conflicting. The following ACMG criteria were applied in classifying this variant: PM2,PP3.

NM_001101362.3(KBTBD13):c.1183A>C (p.Thr395Pro)

Gene: KBTBD13 (kelch repeat and BTB domain containing 13; plus strand). Cytogenetic location: 15q22.31.
Variant type: single nucleotide variant.
Coding change: c.1183A>C on transcript NM_001101362.3 (MANE Select); coding-DNA position 1183, A replaced by C.
Protein change: p.Thr395Pro; replaces threonine 395 with proline.
Molecular consequence: missense variant.
Genome position (GRCh38, 1-based): chr15:65,077,998, A>C. VCF-style: chr15-65077998-A-C. GRCh37 (hg19) VCF-style: chr15-65370336-A-C.
Other names: short protein forms T395P.
Identifiers: ClinVar variation 930550 (VCV000930550.3), dbSNP rs2087005220, ClinGen allele CA392865735.